The following is an entry in ClinVar:

NM_001349338.3(FOXP1):c.482_483dup (p.Gln162fs)

Gene: FOXP1 (forkhead box P1; minus strand). Cytogenetic location: 3p13.
Variant type: Duplication.
Coding change: c.482_483dup on transcript NM_001349338.3 (MANE Select); coding-DNA positions 482 to 483, 2 bases duplicated (AA; older notation c.482_483dupAA).
Protein change: p.Gln162fs; shifts the reading frame from glutamine 162.
Molecular consequence: frameshift variant. On other transcripts: non-coding transcript variant (2), intron variant (1).
Genome position (GRCh38, 1-based): chr3:71,052,564-71,052,565, TT duplicated on the plus strand (AA on the coding strand, the reverse complement: FOXP1 is on the minus strand). VCF-style (leftmost placement, unchanged base first): chr3-71052563-G-GTT. GRCh37 (hg19) VCF-style: chr3-71101714-G-GTT.
Other names: c.482_483dup, p.Gln162fs (NM_001349340.3, NM_032682.6, NM_001244808.3 and 3 more transcripts); c.479_480dup, p.Gln161fs (NM_001349341.3); c.182_183dup, p.Gln62fs (NM_001349342.3, NM_001370548.1, NM_001244813.3 and 1 more transcripts); c.179_180dup, p.Gln61fs (NM_001349343.3, NM_001349344.3, NM_001349337.2); c.283-5470_283-5469dup (NM_001244812.3); c.482_483dup, p.Gln162Asnfs (NM_001349339.1); short protein forms Q161fs, Q162fs, Q61fs, Q62fs.
Identifiers: ClinVar variation 1806120 (VCV001806120.1), dbSNP rs2545872938, ClinGen allele CA913203529.

ClinVar aggregate classification (germline): Pathogenic (1 of 4 stars; one submission).

Conditions:
Intellectual disability-severe speech delay-mild dysmorphism syndrome (IDDLA). Also called: Mental retardation with language impairment and autistic features; FOXP1 Syndrome; Intellectual developmental disorder with language impairment AND with or without autistic features. Identifiers: Orphanet 391372, MedGen C4013764, MONDO:0013352, OMIM 613670.

Submission:

Victorian Clinical Genetics Services, Murdoch Childrens Research Institute
Classification: Pathogenic for Intellectual disability-severe speech delay-mild dysmorphism syndrome. Last evaluated: 2019-08-28. Review status: criteria provided, single submitter. Criteria: ACMG Guidelines, 2015. Collection method: clinical testing. Allele origin: germline. Inheritance: Autosomal dominant inheritance.
Comment: A heterozygous frameshift duplication variant, NM_032682.5(FOXP1):c.482_483dup, has been identified in exon 9 of 21 of the FOXP1 gene. NB: This variant is non-coding in one alternative transcript. This duplication is predicted to create a frameshift starting at amino acid position 162, introducing a stop codon 45 residues downstream (NP_116071.2(FOXP1):p.(Gln162Asnfs*45)). This variant is predicted to result in loss of protein function through nonsense mediated decay, which is a reported mechanism of pathogenicity for this gene. The variant is absent in population databases (gnomAD) and has not been previously reported in clinical cases. However, many loss of function variants have been reported as pathogenic (ClinVar). Based on the information available at the time of curation, this variant has been classified as PATHOGENIC.